The following is an entry in ClinVar:

ClinVar aggregate classification (germline): Uncertain significance. Review status: criteria provided, multiple submitters, no conflicts (2 of 4 stars). 2 submissions from 2 submitters: Uncertain significance (2). Last evaluated 2025-08-12.

Conditions:
Cardiovascular phenotype. Identifiers: MedGen CN230736.

Allele frequency attached by ClinVar (database versions not stated): gnomAD exomes below 0.00001.
gnomAD v4.1: 3 of 1,611,230 alleles (0.00019%); highest among the groups gnomAD compares: African/African-American, 0.004%; no homozygotes.

Submissions (2):

GeneDx
Classification: Uncertain significance. Last evaluated: 2025-08-12. Review status: criteria provided, single submitter. Criteria: GeneDx Variant Classification Process June 2021. Collection method: clinical testing. Allele origin: germline. Affected: yes.
Comment: Not observed at significant frequency in large population cohorts (gnomAD); In silico analysis supports that this missense variant has a deleterious effect on protein structure/function; Has not been previously published as pathogenic or benign to our knowledge

Ambry Genetics
Classification: Uncertain significance for Cardiovascular phenotype. Last evaluated: 2020-12-08. Review status: criteria provided, single submitter. Criteria: Ambry Variant Classification Scheme 2023. Collection method: clinical testing. Allele origin: germline.
Comment: The p.E1851K variant (also known as c.5551G>A), located in coding exon 34 of the MYH6 gene, results from a G to A substitution at nucleotide position 5551. The glutamic acid at codon 1851 is replaced by lysine, an amino acid with similar properties. This amino acid position is highly conserved in available vertebrate species. In addition, this alteration is predicted to be deleterious by in silico analysis. Since supporting evidence is limited at this time, the clinical significance of this alteration remains unclear.

NM_002471.4(MYH6):c.5551G>A (p.Glu1851Lys)

Gene: MYH6 (myosin heavy chain 6; minus strand). Cytogenetic location: 14q11.2.
Variant type: single nucleotide variant.
Coding change: c.5551G>A on transcript NM_002471.4 (MANE Select); coding-DNA position 5551, G replaced by A.
Protein change: p.Glu1851Lys; replaces glutamic acid 1851 with lysine.
Molecular consequence: missense variant.
Genome position (GRCh38, 1-based): chr14:23,384,456, C>T on the plus strand (G>A on the coding strand, the complement: MYH6 is on the minus strand). VCF-style: chr14-23384456-C-T. GRCh37 (hg19) VCF-style: chr14-23853665-C-T.
Other names: short protein forms E1851K.
Identifiers: ClinVar variation 1748244 (VCV001748244.3), dbSNP rs1233959906, ClinGen allele CA388983872.